The following is an entry in ClinVar:

ClinVar aggregate classification (germline): Uncertain significance (1 of 4 stars; one submission).

gnomAD v4.1: 11 of 1,614,056 alleles (0.00068%); highest among the groups gnomAD compares: Admixed American, 0.01%; no homozygotes.

Submission:

Labcorp Genetics (formerly Invitae), Labcorp
Classification: Uncertain significance. Last evaluated: 2025-08-26. Review status: criteria provided, single submitter. Criteria: Invitae Variant Classification Sherloc (09022015). Collection method: clinical testing. Allele origin: germline.
Comment: This sequence change replaces alanine, which is neutral and non-polar, with valine, which is neutral and non-polar, at codon 1552 of the FAT4 protein (p.Ala1552Val). This variant is present in population databases (rs770626489, gnomAD 0.009%). This variant has not been reported in the literature in individuals affected with FAT4-related conditions. Invitae Evidence Modeling of protein sequence and biophysical properties (such as structural, functional, and spatial information, amino acid conservation, physicochemical variation, residue mobility, and thermodynamic stability) indicates that this missense variant is not expected to disrupt FAT4 protein function with a negative predictive value of 80%. In summary, the available evidence is currently insufficient to determine the role of this variant in disease. Therefore, it has been classified as a Variant of Uncertain Significance.

NM_001291303.3(FAT4):c.4655C>T (p.Ala1552Val)

Gene: FAT4 (FAT atypical cadherin 4; plus strand). Cytogenetic location: 4q28.1.
Variant type: single nucleotide variant.
Coding change: c.4655C>T on transcript NM_001291303.3 (MANE Select); coding-DNA position 4655, C replaced by T.
Protein change: p.Ala1552Val; replaces alanine 1552 with valine.
Molecular consequence: missense variant. On other transcripts: intron variant (1).
Genome position (GRCh38, 1-based): chr4:125,321,066, C>T. VCF-style: chr4-125321066-C-T. GRCh37 (hg19) VCF-style: chr4-126242221-C-T.
Other names: c.4655C>T, p.Ala1552Val (NM_001291285.3, NM_001438396.1, NM_001438397.1 and 1 more transcripts); c.-55+5089C>T (NM_001437895.1); short protein forms A1552V.
Identifiers: ClinVar variation 4698309 (VCV004698309.1).
Genomic context (GRCh38, chr4:125,321,066, plus strand): 5'-AAAACGCCCTTGCTGCAGACCCATCAGCTGTGATTGGTTCCGTTCTGACAACAATTATGG[C>T]TGCTGACCCAGATGAAGGTGCTAATGGAGAAATAGAGTATGAGATCATCAATGGGGACAC-3'
Protein context (NP_001278232.1, residues 1542-1562): VIGSVLTTIM[Ala1552Val]ADPDEGANGE